The following is an entry in ClinVar:

NM_002528.7(NTHL1):c.449G>A (p.Gly150Asp)

Gene: NTHL1 (nth like DNA glycosylase 1; minus strand). Cytogenetic location: 16p13.3.
Variant type: single nucleotide variant.
Coding change: c.449G>A on transcript NM_002528.7 (MANE Select); coding-DNA position 449, G replaced by A.
Protein change: p.Gly150Asp; replaces glycine 150 with aspartic acid.
Molecular consequence: missense variant. On other transcripts: intron variant (1).
Genome position (GRCh38, 1-based): chr16:2,044,706, C>T on the plus strand (G>A on the coding strand, the complement: NTHL1 is on the minus strand). VCF-style: chr16-2044706-C-T. GRCh37 (hg19) VCF-style: chr16-2094707-C-T.
Other names: c.119G>A, p.Gly40Asp (NM_001318194.2); c.355-980G>A (NM_001318193.2); short protein forms G40D, G150D.
Identifiers: ClinVar variation 1742763 (VCV001742763.8), dbSNP rs1451809479, ClinGen allele CA394294297.

ClinVar aggregate classification (germline): Uncertain significance. Review status: criteria provided, multiple submitters, no conflicts (2 of 4 stars). 2 submissions from 2 submitters: Uncertain significance (2). Last evaluated 2024-08-26.

Conditions:
Hereditary cancer-predisposing syndrome. Also called: Hereditary Cancer Syndrome; Hereditary neoplastic syndrome; Neoplastic Syndromes, Hereditary; Tumor predisposition. Identifiers: Orphanet 140162, MedGen C0027672, MeSH D009386, MONDO:0015356.

Allele frequency attached by ClinVar (database versions not stated): TOPMed below 0.00001.

Submissions (2):

Ambry Genetics
Classification: Uncertain significance for Hereditary cancer-predisposing syndrome. Last evaluated: 2024-08-26. Review status: criteria provided, single submitter. Criteria: Ambry Variant Classification Scheme 2023. Collection method: clinical testing. Allele origin: germline.
Comment: The p.G158D variant (also known as c.473G>A), located in coding exon 3 of the NTHL1 gene, results from a G to A substitution at nucleotide position 473. The glycine at codon 158 is replaced by aspartic acid, an amino acid with similar properties. This amino acid position is conserved. In addition, this alteration is predicted to be deleterious by in silico analysis. Since supporting evidence is limited at this time, the clinical significance of this alteration remains unclear.

Labcorp Genetics (formerly Invitae), Labcorp
Classification: Uncertain significance. Last evaluated: 2022-01-31. Review status: criteria provided, single submitter. Criteria: Invitae Variant Classification Sherloc (09022015). Collection method: clinical testing. Allele origin: germline.
Comment: In summary, the available evidence is currently insufficient to determine the role of this variant in disease. Therefore, it has been classified as a Variant of Uncertain Significance. Algorithms developed to predict the effect of missense changes on protein structure and function are either unavailable or do not agree on the potential impact of this missense change (SIFT: "Not Available"; PolyPhen-2: "Possibly Damaging"; Align-GVGD: "Not Available"). This variant has not been reported in the literature in individuals affected with NTHL1-related conditions. This variant is not present in population databases (gnomAD no frequency). This sequence change replaces glycine, which is neutral and non-polar, with aspartic acid, which is acidic and polar, at codon 158 of the NTHL1 protein (p.Gly158Asp).